The following is an entry in ClinVar:

NM_002878.4(RAD51D):c.508G>A (p.Val170Met)

Genes: RAD51D (RAD51 paralog D; minus strand), RAD51L3-RFFL (RAD51L3-RFFL readthrough; minus strand). Cytogenetic location: 17q12.
Variant type: single nucleotide variant.
Coding change: c.508G>A on transcript NM_002878.4 (MANE Select); coding-DNA position 508, G replaced by A.
Protein change: p.Val170Met; replaces valine 170 with methionine.
Molecular consequence: missense variant. On other transcripts: non-coding transcript variant (3).
Genome position (GRCh38, 1-based): chr17:35,106,454, C>T on the plus strand (G>A on the coding strand, the complement: RAD51D is on the minus strand). VCF-style: chr17-35106454-C-T. GRCh37 (hg19) VCF-style: chr17-33433473-C-T.
Other names: c.568G>A, p.Val190Met (NM_001142571.2); c.172G>A, p.Val58Met (NM_133629.3); short protein forms V190M, V170M, V58M.
Identifiers: ClinVar variation 969170 (VCV000969170.7), dbSNP rs2091604712, ClinGen allele CA399088927.

ClinVar aggregate classification (germline): Uncertain significance. Review status: criteria provided, multiple submitters, no conflicts (2 of 4 stars). 2 submissions from 2 submitters: Uncertain significance (2). Last evaluated 2024-02-02.

Conditions:
Breast-ovarian cancer, familial, susceptibility to, 4. Identifiers: Orphanet 145, MedGen C3280345, MONDO:0013669, OMIM 614291.
Hereditary cancer-predisposing syndrome. Also called: Neoplastic Syndromes, Hereditary; Hereditary Cancer Syndrome; Tumor predisposition; Hereditary neoplastic syndrome. Identifiers: Orphanet 140162, MedGen C0027672, MeSH D009386, MONDO:0015356.

Allele frequency attached by ClinVar (database versions not stated): gnomAD exomes below 0.00001.
gnomAD v4.1: 1 of 1,613,122 alleles (0.000062%); highest among the groups gnomAD compares: Non-Finnish European, 0.000085%; no homozygotes.

Submissions (2):

Ambry Genetics
Classification: Uncertain significance for Hereditary cancer-predisposing syndrome. Last evaluated: 2024-02-02. Review status: criteria provided, single submitter. Criteria: Ambry Variant Classification Scheme 2023. Collection method: clinical testing. Allele origin: germline.
Comment: The p.V170M variant (also known as c.508G>A), located in coding exon 6 of the RAD51D gene, results from a G to A substitution at nucleotide position 508. The valine at codon 170 is replaced by methionine, an amino acid with highly similar properties. This amino acid position is conserved. In addition, this alteration is predicted to be tolerated by in silico analysis. Based on the available evidence, the clinical significance of this alteration remains unclear.

Labcorp Genetics (formerly Invitae), Labcorp
Classification: Uncertain significance for Breast-ovarian cancer, familial, susceptibility to, 4. Last evaluated: 2019-10-15. Review status: criteria provided, single submitter. Criteria: Invitae Variant Classification Sherloc (09022015). Collection method: clinical testing. Allele origin: germline.
Comment: Algorithms developed to predict the effect of missense changes on protein structure and function are either unavailable or do not agree on the potential impact of this missense change (SIFT: "Tolerated"; PolyPhen-2: "Possibly Damaging"; Align-GVGD: "Class C0"). This sequence change replaces valine with methionine at codon 170 of the RAD51D protein (p.Val170Met). The valine residue is moderately conserved and there is a small physicochemical difference between valine and methionine. This variant is not present in population databases (ExAC no frequency). This variant has not been reported in the literature in individuals with RAD51D-related conditions. Algorithms developed to predict the effect of sequence changes on RNA splicing suggest that this variant may create or strengthen a splice site, but this prediction has not been confirmed by published transcriptional studies. In summary, the available evidence is currently insufficient to determine the role of this variant in disease. Therefore, it has been classified as a Variant of Uncertain Significance.